The following is an entry in ClinVar:

NM_018263.6(ASXL2):c.1037G>C (p.Gly346Ala)

Gene: ASXL2 (ASXL transcriptional regulator 2; minus strand). Cytogenetic location: 2p23.3.
Variant type: single nucleotide variant.
Coding change: c.1037G>C on transcript NM_018263.6 (MANE Select); coding-DNA position 1037, G replaced by C.
Protein change: p.Gly346Ala; replaces glycine 346 with alanine.
Molecular consequence: missense variant.
Genome position (GRCh38, 1-based): chr2:25,753,639, C>G on the plus strand (G>C on the coding strand, the complement: ASXL2 is on the minus strand). VCF-style: chr2-25753639-C-G. GRCh37 (hg19) VCF-style: chr2-25976508-C-G.
Other names: c.863G>C, p.Gly288Ala (NM_001369346.1); c.257G>C, p.Gly86Ala (NM_001369347.1); short protein forms G288A, G346A, G86A.
Identifiers: ClinVar variation 4536191 (VCV004536191.1).

ClinVar aggregate classification (germline): Uncertain significance (1 of 4 stars; one submission).

Submission:

GeneDx
Classification: Uncertain significance. Last evaluated: 2025-06-05. Review status: criteria provided, single submitter. Criteria: GeneDx Variant Classification Process June 2021. Collection method: clinical testing. Allele origin: germline. Affected: yes.
Comment: Not observed at significant frequency in large population cohorts (gnomAD); In silico analysis supports that this missense variant has a deleterious effect on protein structure/function; Has not been previously published as pathogenic or benign to our knowledge